The following is an entry in ClinVar:

NM_002872.5(RAC2):c.105C>T (p.Thr35=)

Gene: RAC2 (Rac family small GTPase 2; minus strand). Cytogenetic location: 22q13.1.
Variant type: single nucleotide variant.
Coding change: c.105C>T on transcript NM_002872.5 (MANE Select); coding-DNA position 105, C replaced by T.
Protein change: p.Thr35=; no amino-acid change (threonine 35 retained).
Molecular consequence: synonymous variant.
Genome position (GRCh38, 1-based): chr22:37,241,589, G>A on the plus strand (C>T on the coding strand, the complement: RAC2 is on the minus strand). VCF-style: chr22-37241589-G-A. GRCh37 (hg19) VCF-style: chr22-37637629-G-A.
Identifiers: ClinVar variation 1335483 (VCV001335483.37), dbSNP rs760366847, ClinGen allele CA10217649.

ClinVar aggregate classification (germline): Likely benign. Review status: criteria provided, multiple submitters, no conflicts (2 of 4 stars). 2 submissions from 2 submitters: Likely benign (2). Last evaluated 2025-01-29.

Conditions:
Neutrophil immunodeficiency syndrome. Also called: Immunodeficiency 73A with defective neutrophil chemotaxis and leukocytosis. Identifiers: Orphanet 183707, MedGen C1842398, MONDO:0011988, OMIM 608203.

Allele frequency attached by ClinVar (database versions not stated): TOPMed below 0.00001; ExAC 0.00001; gnomAD 0.00001; gnomAD exomes 0.00001.
gnomAD v4.1: 30 of 1,612,332 alleles (0.0019%); highest among the groups gnomAD compares: Middle Eastern, 0.016%; no homozygotes.

Submissions (2):

Labcorp Genetics (formerly Invitae), Labcorp
Classification: Likely benign for Neutrophil immunodeficiency syndrome. Last evaluated: 2025-01-29. Review status: criteria provided, single submitter. Criteria: Invitae Variant Classification Sherloc (09022015). Collection method: clinical testing. Allele origin: germline.

CeGaT Center for Human Genetics Tuebingen
Classification: Likely benign. Last evaluated: 2022-10-01. Review status: criteria provided, single submitter. Criteria: CeGaT Center For Human Genetics Tuebingen Variant Classification Criteria Version 2. Collection method: clinical testing. Allele origin: germline. Affected: yes. Observed: 2 variant alleles.
Comment: RAC2: BP4, BP7